The following is an entry in ClinVar:

NM_004415.4(DSP):c.1737_1738delinsTT (p.Ile580Leu)

Gene: DSP (desmoplakin; plus strand). Cytogenetic location: 6p24.3.
Variant type: Indel.
Coding change: c.1737_1738delinsTT on transcript NM_004415.4 (MANE Select); coding-DNA positions 1737 to 1738, GA replaced by TT.
Protein change: p.Ile580Leu; replaces isoleucine 580 with leucine.
Molecular consequence: missense variant.
Genome position (GRCh38, 1-based): chr6:7,571,418-7,571,419, GA replaced by TT. VCF-style: chr6-7571418-GA-TT. GRCh37 (hg19) VCF-style: chr6-7571651-GA-TT.
Other names: c.1737_1738delinsTT, p.Ile580Leu (NM_001008844.3, NM_001319034.2); short protein forms I580L.
Identifiers: ClinVar variation 2140350 (VCV002140350.5), dbSNP rs2533893612, ClinGen allele CA2580075395.

ClinVar aggregate classification (germline): Uncertain significance. Review status: criteria provided, multiple submitters, no conflicts (2 of 4 stars). 2 submissions from 2 submitters: Uncertain significance (2). Last evaluated 2025-07-14.

Conditions:
Cardiomyopathy (CMYO). Also called: Cardiomyopathies. Identifiers: Orphanet 167848, MedGen C0878544, MONDO:0004994, HP:0001638. Inheritance: Various modes of inheritance.
Arrhythmogenic cardiomyopathy with wooly hair and keratoderma. Also called: PALMOPLANTAR KERATODERMA WITH LEFT VENTRICULAR CARDIOMYOPATHY AND WOOLLY HAIR; Dilated cardiomyopathy with woolly hair and keratoderma; Arrhythmogenic cardiomyopathy with woolly hair and keratoderma; Carvajal syndrome. Identifiers: Orphanet 65282, MedGen C1854063, MONDO:0011581, OMIM 605676.
Arrhythmogenic right ventricular dysplasia 8 (ARVD8). Also called: ARRHYTHMOGENIC RIGHT VENTRICULAR DYSPLASIA, FAMILIAL, 8; ARRHYTHMOGENIC RIGHT VENTRICULAR CARDIOMYOPATHY 8; Arrhythmogenic Right Ventricular Dysplasia/Cardiomyopathy 8. Identifiers: MedGen C1843896, MONDO:0011831, OMIM 607450.

Submissions (2):

Color Diagnostics, LLC DBA Color Health
Classification: Uncertain significance for Cardiomyopathy. Last evaluated: 2025-07-14. Review status: criteria provided, single submitter. Criteria: ACMG Guidelines, 2015. Collection method: clinical testing. Allele origin: germline.
Comment: This missense variant replaces isoleucine with leucine at codon 580 of the DSP protein. To our knowledge, functional studies have not been reported for this variant. This variant has not been reported in individuals affected with DSP-related disorders in the literature. This variant has not been identified in the general population by the Genome Aggregation Database (gnomAD). The available evidence is insufficient to determine the role of this variant in disease conclusively. Therefore, this variant is classified as a Variant of Uncertain Significance.

Labcorp Genetics (formerly Invitae), Labcorp
Classification: Uncertain significance for Arrhythmogenic cardiomyopathy with wooly hair and keratoderma; Arrhythmogenic right ventricular dysplasia 8. Last evaluated: 2025-06-06. Review status: criteria provided, single submitter. Criteria: Invitae Variant Classification Sherloc (09022015). Collection method: clinical testing. Allele origin: germline.
Comment: This sequence change replaces isoleucine, which is neutral and non-polar, with leucine, which is neutral and non-polar, at codon 580 of the DSP protein (p.Ile580Leu). Information on the frequency of this variant in the gnomAD database is not available, as this variant may be reported differently in the database. This variant has not been reported in the literature in individuals affected with DSP-related conditions. ClinVar contains an entry for this variant (Variation ID: 2140350). Experimental studies and prediction algorithms are not available or were not evaluated, and the functional significance of this variant is currently unknown. In summary, the available evidence is currently insufficient to determine the role of this variant in disease. Therefore, it has been classified as a Variant of Uncertain Significance.